The following is an entry in ClinVar:

ClinVar aggregate classification (germline): Likely pathogenic (1 of 4 stars; one submission).

Conditions:
LAMA2-related muscular dystrophy (LAMA2-RD). Also called: Laminin alpha 2-related dystrophy. Identifiers: MedGen C5679788, MONDO:0100228.

Submission:

Myriad Genetics, Inc.
Classification: Likely pathogenic for LAMA2-related muscular dystrophy. Last evaluated: 2020-01-15. Review status: criteria provided, single submitter. Criteria: Myriad Autosomal Dominant, Autosomal Recessive and X-Linked Classification Criteria (2023). Collection method: clinical testing. Allele origin: unknown.
Comment: NM_000426.3(LAMA2):c.6262A>T(K2088*) is expected to be pathogenic in the context of LAMA2-related muscular dystrophy. This variant is predicted to lead to an abnormal or absent protein product due to the creation of a premature termination codon in LAMA2, a gene where loss-of-function variants are known to be pathogenic. Please note: this variant was assessed in the context of healthy population screening.

NM_000426.4(LAMA2):c.6262A>T (p.Lys2088Ter)

Genes: LAMA2 (laminin subunit alpha 2; plus strand), LOC123864065 (Sharpr-MPRA regulatory region 661; plus strand). Cytogenetic location: 6q22.33.
Variant type: single nucleotide variant.
Coding change: c.6262A>T on transcript NM_000426.4 (MANE Select); coding-DNA position 6262, A replaced by T.
Protein change: p.Lys2088Ter; replaces lysine 2088 with a stop codon.
Molecular consequence: nonsense.
Genome position (GRCh38, 1-based): chr6:129,440,992, A>T. VCF-style: chr6-129440992-A-T. GRCh37 (hg19) VCF-style: chr6-129762137-A-T.
Other names: c.6262A>T, p.Lys2088Ter (NM_001079823.2); short protein forms K2088*.
Identifiers: ClinVar variation 984210 (VCV000984210.4), dbSNP rs1782086229, ClinGen allele CA365629773.